The following is an entry in ClinVar:

NM_182972.3(IRF2BP2):c.985C>T (p.Pro329Ser)

Genes: IRF2BP2 (interferon regulatory factor 2 binding protein 2; minus strand), LOC129932810 (ATAC-STARR-seq lymphoblastoid active region 2760; plus strand). Cytogenetic location: 1q42.3.
Variant type: single nucleotide variant.
Coding change: c.985C>T on transcript NM_182972.3 (MANE Select); coding-DNA position 985, C replaced by T.
Protein change: p.Pro329Ser; replaces proline 329 with serine.
Molecular consequence: missense variant.
Genome position (GRCh38, 1-based): chr1:234,608,510, G>A on the plus strand (C>T on the coding strand, the complement: IRF2BP2 is on the minus strand). VCF-style: chr1-234608510-G-A. GRCh37 (hg19) VCF-style: chr1-234744256-G-A.
Other names: c.985C>T, p.Pro329Ser (NM_001077397.1); short protein forms P329S.
Identifiers: ClinVar variation 2878587 (VCV002878587.3), dbSNP rs1448265659, ClinGen allele CA345307302.

ClinVar aggregate classification (germline): Uncertain significance (1 of 4 stars; one submission).

Allele frequency attached by ClinVar (database versions not stated): gnomAD 0.00001.
gnomAD v4.1: 20 of 1,609,672 alleles (0.0012%); highest among the groups gnomAD compares: South Asian, 0.0066%; no homozygotes.

Submission:

Labcorp Genetics (formerly Invitae), Labcorp
Classification: Uncertain significance. Last evaluated: 2023-02-25. Review status: criteria provided, single submitter. Criteria: Invitae Variant Classification Sherloc (09022015). Collection method: clinical testing. Allele origin: germline.
Comment: An algorithm developed to predict the effect of missense changes on protein structure and function (PolyPhen-2) suggests that this variant is likely to be disruptive. In summary, the available evidence is currently insufficient to determine the role of this variant in disease. Therefore, it has been classified as a Variant of Uncertain Significance. This sequence change replaces proline, which is neutral and non-polar, with serine, which is neutral and polar, at codon 329 of the IRF2BP2 protein (p.Pro329Ser). The frequency data for this variant in the population databases is considered unreliable, as metrics indicate poor data quality at this position in the gnomAD database. This variant has not been reported in the literature in individuals affected with IRF2BP2-related conditions.